The following is an entry in ClinVar:

NM_001005270.4(OR4C12):c.74C>T (p.Thr25Met)

Gene: OR4C12 (olfactory receptor family 4 subfamily C member 12; minus strand). Cytogenetic location: 11p11.12.
Variant type: single nucleotide variant.
Coding change: c.74C>T on transcript NM_001005270.4 (MANE Select); coding-DNA position 74, C replaced by T.
Protein change: p.Thr25Met; replaces threonine 25 with methionine.
Molecular consequence: missense variant.
Genome position (GRCh38, 1-based): chr11:49,982,428, G>A on the plus strand (C>T on the coding strand, the complement: OR4C12 is on the minus strand). VCF-style: chr11-49982428-G-A. GRCh37 (hg19) VCF-style: chr11-50003964-G-A.
Other names: short protein forms T25M.
Identifiers: ClinVar variation 161484 (VCV000161484.2), dbSNP rs193920780, ClinGen allele CA174120.

ClinVar aggregate classification (germline): Uncertain significance (0 of 4 stars; one submission).

Conditions:
Prostate cancer. Also called: Malignant tumor of prostate. Identifiers: Orphanet 1331, MedGen C0376358, MONDO:0008315, HP:0012125.

Allele frequency attached by ClinVar (database versions not stated): gnomAD 0.00002 and 0.00001; ESP Exome Variant Server 0.00008; TOPMed 0.00002; ExAC 0.00003; gnomAD exomes 0.00002.

Submission:

Science for Life laboratory,  Karolinska Institutet
Classification: Uncertain significance for Malignant tumor of prostate. Review status: no assertion criteria provided. Collection method: not provided. Allele origin: somatic.
Comment: TumorID:SWE-10
ClinVar note: Converted during submission from Unknown to Uncertain significance.